The following is an entry in ClinVar:

ClinVar aggregate classification (germline): Uncertain significance (1 of 4 stars; one submission).

Submission:

Labcorp Genetics (formerly Invitae), Labcorp
Classification: Uncertain significance. Last evaluated: 2023-07-25. Review status: criteria provided, single submitter. Criteria: Invitae Variant Classification Sherloc (09022015). Collection method: clinical testing. Allele origin: germline.
Comment: This variant has not been reported in the literature in individuals affected with NTHL1-related conditions. This variant is not present in population databases (gnomAD no frequency). This sequence change replaces tyrosine, which is neutral and polar, with serine, which is neutral and polar, at codon 130 of the NTHL1 protein (p.Tyr130Ser). An algorithm developed to predict the effect of missense changes on protein structure and function (PolyPhen-2) suggests that this variant is likely to be disruptive. In summary, the available evidence is currently insufficient to determine the role of this variant in disease. Therefore, it has been classified as a Variant of Uncertain Significance.

NM_002528.7(NTHL1):c.365A>C (p.Tyr122Ser)

Gene: NTHL1 (nth like DNA glycosylase 1; minus strand). Cytogenetic location: 16p13.3.
Variant type: single nucleotide variant.
Coding change: c.365A>C on transcript NM_002528.7 (MANE Select); coding-DNA position 365, A replaced by C.
Protein change: p.Tyr122Ser; replaces tyrosine 122 with serine.
Molecular consequence: missense variant. On other transcripts: intron variant (1).
Genome position (GRCh38, 1-based): chr16:2,044,790, T>G on the plus strand (A>C on the coding strand, the complement: NTHL1 is on the minus strand). VCF-style: chr16-2044790-T-G. GRCh37 (hg19) VCF-style: chr16-2094791-T-G.
Other names: c.35A>C, p.Tyr12Ser (NM_001318194.2); c.355-1064A>C (NM_001318193.2); short protein forms Y122S, Y12S.
Identifiers: ClinVar variation 2746274 (VCV002746274.3), dbSNP rs1596220526, ClinGen allele CA394294767.
Genomic context (GRCh38, chr16:2,044,790, plus strand): 5'-GCGCCCGCCGTCACCTGGTCTTTGGTTTGGCTGGAGAGCATCAGTGACAGCAGCACCTGG[T>G]ACCTGCGTACCTGCTTGTGCAGTGACAGGGACCGGGGTGGCGGCGGGTCCTGGGTGATTC-3'
Protein context (NP_002519.2, residues 112-132): DSSAPPKVRR[Tyr122Ser]QVLLSLMLSS